The following is an entry in ClinVar:

NM_006231.4(POLE):c.56C>T (p.Ala19Val)

Genes: POLE (DNA polymerase epsilon, catalytic subunit; minus strand), LOC130009266 (ATAC-STARR-seq lymphoblastoid silent region 5123; plus strand). Cytogenetic location: 12q24.33.
Variant type: single nucleotide variant.
Coding change: c.56C>T on transcript NM_006231.4 (MANE Select); coding-DNA position 56, C replaced by T.
Protein change: p.Ala19Val; replaces alanine 19 with valine.
Molecular consequence: missense variant.
Genome position (GRCh38, 1-based): chr12:132,687,260, G>A on the plus strand (C>T on the coding strand, the complement: POLE is on the minus strand). VCF-style: chr12-132687260-G-A. GRCh37 (hg19) VCF-style: chr12-133263846-G-A.
Other names: c.56C>T (NM_006231.2); short protein forms A19V.
Identifiers: ClinVar variation 859177 (VCV000859177.10), dbSNP rs1395688602, ClinGen allele CA387373308.

ClinVar aggregate classification (germline): Uncertain significance. Review status: criteria provided, multiple submitters, no conflicts (2 of 4 stars). 2 submissions from 2 submitters: Uncertain significance (2). Last evaluated 2025-03-26.

Conditions:
Hereditary cancer-predisposing syndrome. Also called: Tumor predisposition; Hereditary neoplastic syndrome; Neoplastic Syndromes, Hereditary; Hereditary Cancer Syndrome. Identifiers: Orphanet 140162, MedGen C0027672, MeSH D009386, MONDO:0015356.

Submissions (2):

Ambry Genetics
Classification: Uncertain significance for Hereditary cancer-predisposing syndrome. Last evaluated: 2025-03-26. Review status: criteria provided, single submitter. Criteria: Ambry Variant Classification Scheme 2023. Collection method: clinical testing. Allele origin: germline.
Comment: The p.A19V variant (also known as c.56C>T), located in coding exon 1 of the POLE gene, results from a C to T substitution at nucleotide position 56. The alanine at codon 19 is replaced by valine, an amino acid with similar properties. This amino acid position is poorly conserved in available vertebrate species. In addition, this alteration is predicted to be tolerated by in silico analysis. Based on the available evidence, the clinical significance of this variant remains unclear.

Labcorp Genetics (formerly Invitae), Labcorp
Classification: Uncertain significance. Last evaluated: 2022-09-25. Review status: criteria provided, single submitter. Criteria: Invitae Variant Classification Sherloc (09022015). Collection method: clinical testing. Allele origin: germline.
Comment: This sequence change replaces alanine, which is neutral and non-polar, with valine, which is neutral and non-polar, at codon 19 of the POLE protein (p.Ala19Val). This variant is not present in population databases (gnomAD no frequency). This variant has not been reported in the literature in individuals affected with POLE-related conditions. ClinVar contains an entry for this variant (Variation ID: 859177). Algorithms developed to predict the effect of missense changes on protein structure and function (SIFT, PolyPhen-2, Align-GVGD) all suggest that this variant is likely to be tolerated. Algorithms developed to predict the effect of sequence changes on RNA splicing suggest that this variant may create or strengthen a splice site. In summary, the available evidence is currently insufficient to determine the role of this variant in disease. Therefore, it has been classified as a Variant of Uncertain Significance.